The following is an entry in ClinVar:

ClinVar aggregate classification (germline): Conflicting classifications of pathogenicity. Review status: criteria provided, conflicting classifications (1 of 4 stars). 4 submissions from 4 submitters: Uncertain significance (1); Likely benign (2). 1 of the submissions does not count toward it. Last evaluated 2026-01-26.

Conditions:
MERTK-related disorder. Also called: MERTK-related condition.
Retinitis pigmentosa (RP). Identifiers: Orphanet 791, MedGen C0035334, MeSH D012174, MONDO:0019200, OMIM 268000. Inheritance: Autosomal dominant, autosomal recessive and X linked inheritance.

Allele frequency attached by ClinVar (database versions not stated): gnomAD exomes 0.00012 and 0.00041; ExAC 0.00045; ESP Exome Variant Server 0.00077; gnomAD 0.00086; TOPMed 0.00092; 1000 Genomes Project 30x 0.00125; 1000 Genomes Project 0.00140.
gnomAD v4.1: 299 of 1,614,136 alleles (0.019%); highest among the groups gnomAD compares: African/African-American, 0.29%; 3 homozygotes.

Submissions (4):

Labcorp Genetics (formerly Invitae), Labcorp
Classification: Likely benign. Last evaluated: 2026-01-26. Review status: criteria provided, single submitter. Criteria: Invitae Variant Classification Sherloc (09022015). Collection method: clinical testing. Allele origin: germline.

Blueprint Genetics
Classification: Likely benign. Last evaluated: 2024-10-09. Review status: criteria provided, single submitter. Criteria: ACMG Guidelines, 2015. Collection method: clinical testing. Allele origin: germline.

Illumina Laboratory Services, Illumina
Classification: Uncertain significance for Retinitis pigmentosa. Last evaluated: 2018-01-13. Review status: criteria provided, single submitter. Criteria: ICSL Variant Classification Criteria 13 December 2019. Collection method: clinical testing. Allele origin: germline.

PreventionGenetics, part of Exact Sciences
Classification: Likely benign for MERTK-related condition. Last evaluated: 2024-06-26. Review status: no assertion criteria provided. Collection method: clinical testing. Allele origin: germline. Not counted in ClinVar's aggregate classification.
Comment: This variant is classified as likely benign based on ACMG/AMP sequence variant interpretation guidelines (Richards et al. 2015 PMID: 25741868, with internal and published modifications).

NM_006343.3(MERTK):c.1262G>A (p.Arg421Gln)

Gene: MERTK (MER proto-oncogene, tyrosine kinase; plus strand). Cytogenetic location: 2q13.
Variant type: single nucleotide variant.
Coding change: c.1262G>A on transcript NM_006343.3 (MANE Select); coding-DNA position 1262, G replaced by A.
Protein change: p.Arg421Gln; replaces arginine 421 with glutamine.
Molecular consequence: missense variant.
Genome position (GRCh38, 1-based): chr2:111,982,959, G>A. VCF-style: chr2-111982959-G-A. GRCh37 (hg19) VCF-style: chr2-112740536-G-A.
Other names: short protein forms R421Q.
Identifiers: ClinVar variation 330753 (VCV000330753.15), dbSNP rs138908058, ClinGen allele CA1831308.